The following is an entry in ClinVar:

ClinVar aggregate classification (germline): Uncertain significance. Review status: criteria provided, multiple submitters, no conflicts (2 of 4 stars). 2 submissions from 2 submitters: Uncertain significance (2). Last evaluated 2025-09-01.

Allele frequency attached by ClinVar (database versions not stated): gnomAD exomes below 0.00001.

Submissions (2):

Ambry Genetics
Classification: Uncertain significance. Last evaluated: 2025-09-01. Review status: criteria provided, single submitter. Criteria: Ambry Variant Classification Scheme 2023. Collection method: clinical testing. Allele origin: germline.

Labcorp Genetics (formerly Invitae), Labcorp
Classification: Uncertain significance. Last evaluated: 2024-10-13. Review status: criteria provided, single submitter. Criteria: Invitae Variant Classification Sherloc (09022015). Collection method: clinical testing. Allele origin: germline.
Comment: This sequence change replaces proline, which is neutral and non-polar, with serine, which is neutral and polar, at codon 425 of the PITPNM3 protein (p.Pro425Ser). This variant is not present in population databases (gnomAD no frequency). This variant has not been reported in the literature in individuals affected with PITPNM3-related conditions. ClinVar contains an entry for this variant (Variation ID: 1501967). Invitae Evidence Modeling of protein sequence and biophysical properties (such as structural, functional, and spatial information, amino acid conservation, physicochemical variation, residue mobility, and thermodynamic stability) has been performed for this missense variant. However, the output from this modeling did not meet the statistical confidence thresholds required to predict the impact of this variant on PITPNM3 protein function. In summary, the available evidence is currently insufficient to determine the role of this variant in disease. Therefore, it has been classified as a Variant of Uncertain Significance.

NM_031220.4(PITPNM3):c.1273C>T (p.Pro425Ser)

Gene: PITPNM3 (PITPNM family member 3; minus strand). Cytogenetic location: 17p13.2.
Variant type: single nucleotide variant.
Coding change: c.1273C>T on transcript NM_031220.4 (MANE Select); coding-DNA position 1273, C replaced by T.
Protein change: p.Pro425Ser; replaces proline 425 with serine.
Molecular consequence: missense variant.
Genome position (GRCh38, 1-based): chr17:6,472,813, G>A on the plus strand (C>T on the coding strand, the complement: PITPNM3 is on the minus strand). VCF-style: chr17-6472813-G-A. GRCh37 (hg19) VCF-style: chr17-6376133-G-A.
Other names: c.1273C>T (NM_031220.3); c.1165C>T, p.Pro389Ser (NM_001165966.2); short protein forms P425S, P389S.
Identifiers: ClinVar variation 1501967 (VCV001501967.7), dbSNP rs1567665348, ClinGen allele CA397406250.